The following is an entry in ClinVar:

ClinVar aggregate classification (germline): Uncertain significance (1 of 4 stars; one submission).

Submission:

Labcorp Genetics (formerly Invitae), Labcorp
Classification: Uncertain significance. Last evaluated: 2021-10-23. Review status: criteria provided, single submitter. Criteria: Invitae Variant Classification Sherloc (09022015). Collection method: clinical testing. Allele origin: germline.
Comment: This sequence change replaces valine with alanine at codon 858 of the ELP1 protein (p.Val858Ala). The valine residue is highly conserved and there is a small physicochemical difference between valine and alanine. This variant is not present in population databases (ExAC no frequency). This variant has not been reported in the literature in individuals affected with ELP1-related conditions. Algorithms developed to predict the effect of missense changes on protein structure and function (SIFT, PolyPhen-2, Align-GVGD) all suggest that this variant is likely to be disruptive. In summary, the available evidence is currently insufficient to determine the role of this variant in disease. Therefore, it has been classified as a Variant of Uncertain Significance.

NM_003640.5(ELP1):c.2573T>C (p.Val858Ala)

Gene: ELP1 (elongator acetyltransferase complex subunit 1; minus strand). Cytogenetic location: 9q31.3.
Variant type: single nucleotide variant.
Coding change: c.2573T>C on transcript NM_003640.5 (MANE Select); coding-DNA position 2573, T replaced by C.
Protein change: p.Val858Ala; replaces valine 858 with alanine.
Molecular consequence: missense variant.
Genome position (GRCh38, 1-based): chr9:108,896,967, A>G on the plus strand (T>C on the coding strand, the complement: ELP1 is on the minus strand). VCF-style: chr9-108896967-A-G. GRCh37 (hg19) VCF-style: chr9-111659247-A-G.
Other names: c.2231T>C, p.Val744Ala (NM_001318360.2); c.1526T>C, p.Val509Ala (NM_001330749.2); short protein forms V744A, V509A, V858A.
Identifiers: ClinVar variation 1388802 (VCV001388802.6), dbSNP rs2131981161, ClinGen allele CA374420352.